The following is an entry in ClinVar:

ClinVar aggregate classification (germline): Benign/Likely benign. Review status: criteria provided, multiple submitters, no conflicts (2 of 4 stars). 5 submissions from 5 submitters: Benign (1); Likely benign (3). 1 of the submissions does not count toward it. Last evaluated 2026-02-02.

Conditions:
CARS2-related disorder. Also called: CARS2-related condition.
Combined oxidative phosphorylation defect type 27. Also called: Combined oxidative phosphorylation deficiency 27. Identifiers: Orphanet 477774, MedGen C5567608, MONDO:0014728, OMIM 616672.

Allele frequency attached by ClinVar (database versions not stated): gnomAD 0.00232 and 0.00216; TOPMed 0.00232; ESP Exome Variant Server 0.00246; 1000 Genomes Project 30x 0.00250; 1000 Genomes Project 0.00260; gnomAD exomes 0.00023 and 0.00056; ExAC 0.00070.
gnomAD v4.1: 666 of 1,613,864 alleles (0.041%); highest among the groups gnomAD compares: African/African-American, 0.75%; 3 homozygotes.

Submissions (5):

Labcorp Genetics (formerly Invitae), Labcorp
Classification: Benign for Combined oxidative phosphorylation defect type 27. Last evaluated: 2026-02-02. Review status: criteria provided, single submitter. Criteria: Invitae Variant Classification Sherloc (09022015). Collection method: clinical testing. Allele origin: germline.

Blueprint Genetics
Classification: Likely benign. Last evaluated: 2024-09-12. Review status: criteria provided, single submitter. Criteria: ACMG Guidelines, 2015. Collection method: clinical testing. Allele origin: germline.

GeneDx
Classification: Likely benign. Last evaluated: 2021-05-20. Review status: criteria provided, single submitter. Criteria: GeneDx Variant Classification Process June 2021. Collection method: clinical testing. Allele origin: germline. Affected: yes.

Breakthrough Genomics
Classification: Likely benign. Review status: criteria provided, single submitter. Criteria: ACMG Guidelines, 2015. Collection method: not provided. Allele origin: germline. Inheritance: Autosomal recessive inheritance. Affected: yes.

PreventionGenetics, part of Exact Sciences
Classification: Likely benign for CARS2-related condition. Last evaluated: 2019-04-29. Review status: no assertion criteria provided. Collection method: clinical testing. Allele origin: germline. Not counted in ClinVar's aggregate classification.
Comment: This variant is classified as likely benign based on ACMG/AMP sequence variant interpretation guidelines (Richards et al. 2015 PMID: 25741868, with internal and published modifications).

NM_024537.4(CARS2):c.930C>T (p.His310=)

Gene: CARS2 (cysteinyl-tRNA synthetase 2, mitochondrial; minus strand). Cytogenetic location: 13q34.
Variant type: single nucleotide variant.
Coding change: c.930C>T on transcript NM_024537.4 (MANE Select); coding-DNA position 930, C replaced by T.
Protein change: p.His310=; no amino-acid change (histidine 310 retained).
Molecular consequence: synonymous variant. On other transcripts: 3 prime UTR variant (1), non-coding transcript variant (2).
Genome position (GRCh38, 1-based): chr13:110,663,508, G>A on the plus strand (C>T on the coding strand, the complement: CARS2 is on the minus strand). VCF-style: chr13-110663508-G-A. GRCh37 (hg19) VCF-style: chr13-111315855-G-A.
Other names: c.144C>T, p.His48= (NM_001352252.2); c.*402C>T (NM_001352253.3).
Identifiers: ClinVar variation 390087 (VCV000390087.17), dbSNP rs143532600, ClinGen allele CA7052024.